The following is an entry in ClinVar:

ClinVar aggregate classification (germline): Conflicting classifications of pathogenicity. Review status: criteria provided, conflicting classifications (1 of 4 stars). 4 submissions from 4 submitters: Uncertain significance (3); Likely benign (1). Last evaluated 2026-08-10.

Conditions:
Hereditary cancer-predisposing syndrome. Also called: Neoplastic Syndromes, Hereditary; Hereditary neoplastic syndrome; Hereditary Cancer Syndrome; Tumor predisposition. Identifiers: Orphanet 140162, MedGen C0027672, MeSH D009386, MONDO:0015356.
Familial adenomatous polyposis 2. Also called: MUTYH-related attenuated familial adenomatous polyposis; MUTYH Polyposis; MYH-associated polyposis; FAP type 2; MUTYH-associated polyposis; Adenomas, multiple colorectal. Identifiers: Orphanet 220460, Orphanet 247798, MedGen C3272841, MONDO:0012041, OMIM 608456.
Gastric cancer. Also called: Malignant tumor of stomach; Stomach cancer. Identifiers: MedGen C0024623, MeSH D013274, MONDO:0001056, OMIM 613659, HP:0012126.

Allele frequency attached by ClinVar (database versions not stated): gnomAD exomes below 0.00001.
gnomAD v4.1: 3 of 1,614,048 alleles (0.00019%); highest among the groups gnomAD compares: Non-Finnish European, 0.00025%; no homozygotes.

Submissions (4):

Ambry Genetics
Classification: Likely benign for Hereditary cancer-predisposing syndrome. Last evaluated: 2026-08-10. Review status: criteria provided, single submitter. Criteria: Ambry Variant Classification Scheme 2023. Collection method: clinical testing. Allele origin: germline.

Labcorp Genetics (formerly Invitae), Labcorp
Classification: Uncertain significance for Familial adenomatous polyposis 2. Last evaluated: 2024-08-22. Review status: criteria provided, single submitter. Criteria: Invitae Variant Classification Sherloc (09022015). Collection method: clinical testing. Allele origin: germline.
Comment: This sequence change falls in intron 2 of the MUTYH gene. It does not directly change the encoded amino acid sequence of the MUTYH protein. It affects a nucleotide within the consensus splice site. This variant is not present in population databases (gnomAD no frequency). This variant has not been reported in the literature in individuals affected with MUTYH-related conditions. ClinVar contains an entry for this variant (Variation ID: 464703). Variants that disrupt the consensus splice site are a relatively common cause of aberrant splicing (PMID: 17576681, 9536098). Studies have shown that this variant is associated with inconclusive levels of altered splicing (internal data). In summary, the available evidence is currently insufficient to determine the role of this variant in disease. Therefore, it has been classified as a Variant of Uncertain Significance.

Department of Pathology and Laboratory Medicine, Sinai Health System
Classification: Uncertain significance for Gastric cancer; Familial adenomatous polyposis 2. Last evaluated: 2022-05-17. Review status: criteria provided, single submitter. Criteria: ACMG Guidelines, 2015. Collection method: clinical testing. Allele origin: germline. Affected: yes.

Women's Health and Genetics/Laboratory Corporation of America, LabCorp
Classification: Uncertain significance. Last evaluated: 2019-06-03. Review status: criteria provided, single submitter. Criteria: LabCorp Variant Classification Summary - May 2015. Collection method: clinical testing. Allele origin: germline.
Comment: Variant summary: MUTYH c.157+3A>G alters a non-conserved nucleotide located close to a canonical splice site and therefore could affect mRNA splicing, leading to a significantly altered protein sequence. 5/5 computational tools predict no significant impact on normal splicing. However, these predictions have yet to be confirmed by functional studies. The variant was absent in 251422 control chromosomes (gnomAD). The available data on variant occurrences in the general population are insufficient to allow any conclusion about variant significance. To our knowledge, no occurrence of c.157+3A>G in individuals affected with MUTYH-associated Polyposis and no experimental evidence demonstrating its impact on protein function have been reported. Two ClinVar submitters (evaluation after 2014) cite the variant as uncertain significance. Based on the evidence outlined above, the variant was classified as uncertain significance.

Literature cited by the submitters: PubMed 17576681 (cited by Labcorp Genetics (formerly Invitae), Labcorp); PubMed 9536098 (cited by Labcorp Genetics (formerly Invitae), Labcorp).

NM_001048174.2(MUTYH):c.115+3A>G

Gene: MUTYH (mutY DNA glycosylase; minus strand). Cytogenetic location: 1p34.1.
Variant type: single nucleotide variant.
Coding change: c.115+3A>G on transcript NM_001048174.2 (MANE Select); 3 bases into the intron after coding-DNA position 115, A replaced by G.
Molecular consequence: intron variant.
Genome position (GRCh38, 1-based): chr1:45,334,388, T>C on the plus strand (A>G on the coding strand, the complement: MUTYH is on the minus strand). VCF-style: chr1-45334388-T-C. GRCh37 (hg19) VCF-style: chr1-45800060-T-C.
Other names: c.-93+3A>G (NM_001350651.2); c.-98+3A>G (NM_001293192.2, NM_001293196.2); c.-157+3A>G (NM_001350650.2); c.115+3A>G (NM_001048171.2, NM_001048173.2, NM_001048172.2 and 2 more transcripts); c.157+3A>G (NM_001293190.2, NM_012222.3, NM_001128425.2).
Identifiers: ClinVar variation 464703 (VCV000464703.18), dbSNP rs1553131280, ClinGen allele CA658656905.
Genomic context (GRCh38, chr1:45,334,388, plus strand): 5'-CCTTCCCAGCCTGAATCTGCCTTTCATGGCCAATGAGCCTTGGGCCACAACCTAGTTCCT[T>C]ACCATCACAGGCAGAAGGCTTGGCCTGACTGTTGTTCTTAGCATGCTTCTGCCTCCCTTC-3'